The following is an entry in ClinVar:

ClinVar aggregate classification (germline): Uncertain significance (1 of 4 stars; one submission).

Conditions:
Hypercholesterolemia, autosomal dominant, 3 (FHCL3). Also called: Familial Hypercholesterolemia, Autosomal Dominant, 3; PCSK9-Related Familial Hypercholesterolemia, Autosomal Dominant; Familial hypercholesterolemia 3. Identifiers: MedGen C1863551, MONDO:0011369, OMIM 603776.

Submission:

All of Us Research Program, National Institutes of Health
Classification: Uncertain significance for Hypercholesterolemia, autosomal dominant, 3. Last evaluated: 2024-05-30. Review status: criteria provided, single submitter. Criteria: ACMG Guidelines, 2015. Collection method: clinical testing. Allele origin: germline. Inheritance: Autosomal dominant inheritance. Observed: 1 variant allele, 1 heterozygote.
Comment: This variant causes a G>A nucleotide substitution at the +1 position of intron 6 of the PCSK9 gene. Splice site prediction tools predict that this variant may have a significant impact on RNA splicing, which may result in the loss of PCSK9 function and have a protective effect against familial hypercholesterolemia. To our knowledge, RNA studies have not been reported for this variant. This variant has not been reported in individuals affected with PCSK9-related disorders in the literature. This variant has not been identified in the general population by the Genome Aggregation Database (gnomAD). The available evidence is insufficient to determine the role of this variant in disease conclusively. Therefore, this variant is classified as a Variant of Uncertain Significance.

This study involves interpretation of variants in research participants for the purpose of population health screening. Participant phenotype was not available at the time of variant classification. Additional details can be found in publication PMID: 35346344, PMCID: PMC8962531

NM_174936.4(PCSK9):c.996+1G>A

Gene: PCSK9 (proprotein convertase subtilisin/kexin type 9; plus strand). Cytogenetic location: 1p32.3.
Variant type: single nucleotide variant.
Coding change: c.996+1G>A on transcript NM_174936.4 (MANE Select); the canonical splice donor site of the intron after coding-DNA position 996, G replaced by A.
Molecular consequence: splice donor variant.
Genome position (GRCh38, 1-based): chr1:55,056,190, G>A. VCF-style: chr1-55056190-G-A. GRCh37 (hg19) VCF-style: chr1-55521863-G-A.
Other names: c.996+1G>A (NM_001407247.1, NM_001407241.1, NM_001407244.1); c.939+1G>A (NM_001407243.1); c.804+1G>A (NM_001407245.1); c.621+1G>A (NM_001407246.1); c.1119+1G>A (NM_001407240.1); c.999+1G>A (NM_001407242.1).
Identifiers: ClinVar variation 3387437 (VCV003387437.1).